The following is an entry in ClinVar:

NM_000218.3(KCNQ1):c.1686-1G>T

Gene: KCNQ1 (potassium voltage-gated channel subfamily Q member 1; plus strand). Cytogenetic location: 11p15.5.
Variant type: single nucleotide variant.
Coding change: c.1686-1G>T on transcript NM_000218.3 (MANE Select); the canonical splice acceptor site of the intron before coding-DNA position 1686, G replaced by T.
Molecular consequence: splice acceptor variant.
Genome position (GRCh38, 1-based): chr11:2,776,985, G>T. VCF-style: chr11-2776985-G-T. GRCh37 (hg19) VCF-style: chr11-2798215-G-T.
Other names: c.1416-1G>T (NM_001406837.1); c.1590-1G>T (NM_001406836.1); c.1146-1G>T (NM_001406838.1); c.1305-1G>T (NM_181798.2).
Identifiers: ClinVar variation 3392793 (VCV003392793.2).

ClinVar aggregate classification (germline): Pathogenic. Review status: criteria provided, multiple submitters, no conflicts (2 of 4 stars). 2 submissions from 2 submitters: Pathogenic (2). Last evaluated 2025-07-09.

Conditions:
Long QT syndrome (LQTS). Identifiers: MedGen C0023976, MeSH D008133, MONDO:0002442. Disease mechanism: loss of function. Inheritance: Various modes of inheritance.

Submissions (2):

Labcorp Genetics (formerly Invitae), Labcorp
Classification: Pathogenic for Long QT syndrome. Last evaluated: 2025-07-09. Review status: criteria provided, single submitter. Criteria: Invitae Variant Classification Sherloc (09022015). Collection method: clinical testing. Allele origin: germline.
Comment: This sequence change affects an acceptor splice site in intron 13 of the KCNQ1 gene. It is expected to disrupt RNA splicing. Variants that disrupt the donor or acceptor splice site typically lead to a loss of protein function (PMID: 16199547), and loss-of-function variants in KCNQ1 are known to be pathogenic (PMID: 9323054, 19862833). This variant is not present in population databases (gnomAD no frequency). Disruption of this splice site has been observed in individual(s) with Jervell and Lange-Nielsen syndrome (PMID: 11140949). It has also been observed to segregate with disease in related individuals. ClinVar contains an entry for this variant (Variation ID: 3392793). Algorithms developed to predict the effect of sequence changes on RNA splicing suggest that this variant may disrupt the consensus splice site. For these reasons, this variant has been classified as Pathogenic.

GeneDx
Classification: Pathogenic. Last evaluated: 2024-06-25. Review status: criteria provided, single submitter. Criteria: GeneDx Variant Classification Process June 2021. Collection method: clinical testing. Allele origin: germline. Affected: yes.
Comment: Identified in an individual referred for long QT syndrome clinical genetic testing, however detailed clinical information was not provided (PMID: 19716085); Canonical splice site variant predicted to result in a null allele in a gene for which loss of function is a known mechanism of disease; Not observed at significant frequency in large population cohorts (gnomAD); This variant is associated with the following publications: (PMID: 25525159, 11140949, 19716085)

Literature cited by the submitters: PubMed 16199547 (cited by Labcorp Genetics (formerly Invitae), Labcorp); PubMed 9323054 (cited by Labcorp Genetics (formerly Invitae), Labcorp); PubMed 19862833 (cited by Labcorp Genetics (formerly Invitae), Labcorp); PubMed 11140949 (cited by Labcorp Genetics (formerly Invitae), Labcorp).